The following is an entry in ClinVar:

NM_000218.3(KCNQ1):c.1394-29634A>T

Genes: KCNQ1 (potassium voltage-gated channel subfamily Q member 1; plus strand), KCNQ1OT1 (KCNQ1 opposite strand/antisense transcript 1; minus strand). Cytogenetic location: 11p15.5.
Variant type: single nucleotide variant.
Coding change: c.1394-29634A>T on transcript NM_000218.3 (MANE Select); 29634 bases into the intron before coding-DNA position 1394, A replaced by T.
Molecular consequence: intron variant. On other transcripts: non-coding transcript variant (1).
Genome position (GRCh38, 1-based): chr11:2,632,327, A>T. VCF-style: chr11-2632327-A-T. GRCh37 (hg19) VCF-style: chr11-2653557-A-T.
Other names: c.1124-29634A>T (NM_001406837.1); c.1298-29634A>T (NM_001406836.1); c.854-29634A>T (NM_001406838.1); c.1013-29634A>T (NM_181798.2).
Identifiers: ClinVar variation 3026364 (VCV003026364.22), dbSNP rs142566615, ClinGen allele CA216146378.
Genomic context (GRCh38, chr11:2,632,327, plus strand): 5'-AGTTTTTGTGGTGAGTTTTCAGGGATTTCTACAAATATGATCATATCTATGAACAAACAT[A>T]ATTTTAATTCTTCCTTTCTAAATGATGCCTTTATTTCTTTTCCATATTCTTTGGCTAGAA-3'

ClinVar aggregate classification (germline): Benign (1 of 4 stars; one submission).

Allele frequency attached by ClinVar (database versions not stated): gnomAD exomes 0.00034; gnomAD 0.00232; 1000 Genomes Project 0.00280; TOPMed 0.00292; 1000 Genomes Project 30x 0.00328.
gnomAD v4.1: 444 of 398,506 alleles (0.11%); highest among the groups gnomAD compares: African/African-American, 0.82%; 2 homozygotes.

Submission:

CeGaT Center for Human Genetics Tuebingen
Classification: Benign. Last evaluated: 2026-04-01. Review status: criteria provided, single submitter. Criteria: CeGaT Center For Human Genetics Tuebingen Variant Classification Criteria Version 2. Collection method: clinical testing. Allele origin: germline. Affected: yes. Observed: 3 variant alleles.
Comment: KCNQ1OT1: BS1, BS2